The following is an entry in ClinVar:

NM_020987.5(ANK3):c.10838G>A (p.Arg3613His)

Gene: ANK3 (ankyrin 3; minus strand). Cytogenetic location: 10q21.2.
Variant type: single nucleotide variant.
Coding change: c.10838G>A on transcript NM_020987.5 (MANE Select); coding-DNA position 10838, G replaced by A.
Protein change: p.Arg3613His; replaces arginine 3613 with histidine.
Molecular consequence: missense variant. On other transcripts: intron variant (4).
Genome position (GRCh38, 1-based): chr10:60,070,043, C>T on the plus strand (G>A on the coding strand, the complement: ANK3 is on the minus strand). VCF-style: chr10-60070043-C-T. GRCh37 (hg19) VCF-style: chr10-61829801-C-T.
Other names: c.4388-2034G>A (NM_001204403.2); c.4409-2034G>A (NM_001204404.2); c.4406-2034G>A (NM_001320874.2); c.1808-2034G>A (NM_001149.4); short protein forms R3613H.
Identifiers: ClinVar variation 4082775 (VCV004082775.1).

ClinVar aggregate classification (germline): Uncertain significance (1 of 4 stars; one submission).

Submission:

GeneDx
Classification: Uncertain significance. Last evaluated: 2025-03-05. Review status: criteria provided, single submitter. Criteria: GeneDx Variant Classification Process June 2021. Collection method: clinical testing. Allele origin: germline. Affected: yes.
Comment: Not observed at significant frequency in large population cohorts (gnomAD); In silico analysis supports that this missense variant has a deleterious effect on protein structure/function; Has not been previously published as pathogenic or benign to our knowledge